The following is an entry in ClinVar:

NM_001401501.2(MUC16):c.5691G>A (p.Gly1897=)

Gene: MUC16 (mucin 16, cell surface associated; minus strand). Cytogenetic location: 19p13.2.
Variant type: single nucleotide variant.
Coding change: c.5691G>A on transcript NM_001401501.2 (MANE Select); coding-DNA position 5691, G replaced by A.
Protein change: p.Gly1897=; no amino-acid change (glycine 1897 retained).
Molecular consequence: synonymous variant.
Genome position (GRCh38, 1-based): chr19:8,975,568, C>T on the plus strand (G>A on the coding strand, the complement: MUC16 is on the minus strand). VCF-style: chr19-8975568-C-T. GRCh37 (hg19) VCF-style: chr19-9086244-C-T.
Other names: c.6117G>A, p.Gly2039= (NM_001414686.1); c.5571G>A, p.Gly1857= (NM_001414687.1, NM_024690.2).
Identifiers: ClinVar variation 3039880 (VCV003039880.2), dbSNP rs142581022, ClinGen allele CA9172603.
Genomic context (GRCh38, chr19:8,975,568, plus strand): 5'-GTTTTCCAATCTGGAGGCTCTAGTGACACCAGTATTCAATGACCTGTCAGTGGCCAAAGT[C>T]CCTGCAGAGCTGGTGTGCACCCCATGGCTGAGGTCAAGTGAATCTGTGGTATTGGGGGCA-3'
Protein context (NP_001388430.1, residues 1887-1907): LSHGVHTSSA[Gly1897=]TLATDRSLNT

ClinVar aggregate classification (germline): Likely benign (0 of 4 stars; one submission).

Conditions:
MUC16-related disorder. Also called: MUC16-related condition.

Allele frequency attached by ClinVar (database versions not stated): gnomAD exomes 0.00008; ExAC 0.00010; gnomAD 0.00024; ESP Exome Variant Server 0.00041; 1000 Genomes Project 30x 0.00047; 1000 Genomes Project 0.00060.

Submission:

PreventionGenetics, part of Exact Sciences
Classification: Likely benign for MUC16-related condition. Last evaluated: 2019-04-25. Review status: no assertion criteria provided. Collection method: clinical testing. Allele origin: germline.
Comment: This variant is classified as likely benign based on ACMG/AMP sequence variant interpretation guidelines (Richards et al. 2015 PMID: 25741868, with internal and published modifications).